The following is an entry in ClinVar:

NM_020832.3(ZNF687):c.139G>A (p.Val47Ile)

Gene: ZNF687 (zinc finger protein 687; plus strand). Cytogenetic location: 1q21.3.
Variant type: single nucleotide variant.
Coding change: c.139G>A on transcript NM_020832.3 (MANE Select); coding-DNA position 139, G replaced by A.
Protein change: p.Val47Ile; replaces valine 47 with isoleucine.
Molecular consequence: missense variant.
Genome position (GRCh38, 1-based): chr1:151,286,430, G>A. VCF-style: chr1-151286430-G-A. GRCh37 (hg19) VCF-style: chr1-151258906-G-A.
Other names: c.139G>A, p.Val47Ile (NM_001304763.2, NM_001304764.2); short protein forms V47I.
Identifiers: ClinVar variation 2088691 (VCV002088691.4), dbSNP rs1693947888, ClinGen allele CA341926442.

ClinVar aggregate classification (germline): Uncertain significance (1 of 4 stars; one submission).

Allele frequency attached by ClinVar (database versions not stated): TOPMed below 0.00001.

Submission:

Labcorp Genetics (formerly Invitae), Labcorp
Classification: Uncertain significance. Last evaluated: 2022-10-17. Review status: criteria provided, single submitter. Criteria: Invitae Variant Classification Sherloc (09022015). Collection method: clinical testing. Allele origin: germline.
Comment: Algorithms developed to predict the effect of missense changes on protein structure and function output the following: SIFT: "Tolerated"; PolyPhen-2: "Benign"; Align-GVGD: "Class C0". The isoleucine amino acid residue is found in multiple mammalian species, which suggests that this missense change does not adversely affect protein function. This sequence change replaces valine, which is neutral and non-polar, with isoleucine, which is neutral and non-polar, at codon 47 of the ZNF687 protein (p.Val47Ile). This variant is not present in population databases (gnomAD no frequency). This variant has not been reported in the literature in individuals affected with ZNF687-related conditions. Algorithms developed to predict the effect of sequence changes on RNA splicing suggest that this variant may create or strengthen a splice site. In summary, the available evidence is currently insufficient to determine the role of this variant in disease. Therefore, it has been classified as a Variant of Uncertain Significance.